The following is an entry in ClinVar:

NM_199242.3(UNC13D):c.2800G>A (p.Ala934Thr)

Genes: UNC13D (unc-13 homolog D; minus strand), LOC112533672 (Sharpr-MPRA regulatory region 1193; plus strand). Cytogenetic location: 17q25.1.
Variant type: single nucleotide variant.
Coding change: c.2800G>A on transcript NM_199242.3 (MANE Select); coding-DNA position 2800, G replaced by A.
Protein change: p.Ala934Thr; replaces alanine 934 with threonine.
Molecular consequence: missense variant.
Genome position (GRCh38, 1-based): chr17:75,830,392, C>T on the plus strand (G>A on the coding strand, the complement: UNC13D is on the minus strand). VCF-style: chr17-75830392-C-T. GRCh37 (hg19) VCF-style: chr17-73826473-C-T.
Other names: short protein forms A934T.
Identifiers: ClinVar variation 1019885 (VCV001019885.5), dbSNP rs534473771, ClinGen allele CA8772389.

ClinVar aggregate classification (germline): Uncertain significance (1 of 4 stars; one submission).

Conditions:
Familial hemophagocytic lymphohistiocytosis 3 (FHL3). Also called: UNC13D-Related Familial Hemophagocytic Lymphohistiocytosis (UNC13D-fHLH). Identifiers: Orphanet 540, MedGen C1837174, MONDO:0012146, OMIM 608898.

Allele frequency attached by ClinVar (database versions not stated): gnomAD 0.00001 and 0.00002; TOPMed 0.00001; ExAC 0.00002; 1000 Genomes Project 0.00020; 1000 Genomes Project 30x 0.00031.

Submission:

Labcorp Genetics (formerly Invitae), Labcorp
Classification: Uncertain significance for Familial hemophagocytic lymphohistiocytosis 3. Last evaluated: 2024-06-04. Review status: criteria provided, single submitter. Criteria: Invitae Variant Classification Sherloc (09022015). Collection method: clinical testing. Allele origin: germline.
Comment: This sequence change replaces alanine, which is neutral and non-polar, with threonine, which is neutral and polar, at codon 934 of the UNC13D protein (p.Ala934Thr). The frequency data for this variant in the population databases is considered unreliable, as metrics indicate poor data quality at this position in the gnomAD database. This missense change has been observed in individual(s) with hemophagocytic lymphohistiocytosis (PMID: 34170459). ClinVar contains an entry for this variant (Variation ID: 1019885). Advanced modeling of protein sequence and biophysical properties (such as structural, functional, and spatial information, amino acid conservation, physicochemical variation, residue mobility, and thermodynamic stability) performed at Invitae indicates that this missense variant is expected to disrupt UNC13D protein function with a positive predictive value of 80%. In summary, the available evidence is currently insufficient to determine the role of this variant in disease. Therefore, it has been classified as a Variant of Uncertain Significance.

Literature cited by the submitters: PubMed 34170459.